The following is an entry in ClinVar:

ClinVar aggregate classification (germline): Uncertain significance (1 of 4 stars; one submission).

Conditions:
Epileptic encephalopathy. Identifiers: MedGen C0543888, HP:0200134.

Allele frequency attached by ClinVar (database versions not stated): TOPMed 0.00004; ESP Exome Variant Server 0.00008.

Submission:

Labcorp Genetics (formerly Invitae), Labcorp
Classification: Uncertain significance for Epileptic encephalopathy. Last evaluated: 2024-11-04. Review status: criteria provided, single submitter. Criteria: Invitae Variant Classification Sherloc (09022015). Collection method: clinical testing. Allele origin: germline.
Comment: This sequence change replaces alanine, which is neutral and non-polar, with glutamic acid, which is acidic and polar, at codon 1858 of the FASN protein (p.Ala1858Glu). This variant is not present in population databases (gnomAD no frequency). This variant has not been reported in the literature in individuals affected with FASN-related conditions. ClinVar contains an entry for this variant (Variation ID: 577877). An algorithm developed to predict the effect of missense changes on protein structure and function outputs the following: PolyPhen-2: "Benign". The glutamic acid amino acid residue is found in multiple mammalian species, which suggests that this missense change does not adversely affect protein function. In summary, the available evidence is currently insufficient to determine the role of this variant in disease. Therefore, it has been classified as a Variant of Uncertain Significance.

NM_004104.5(FASN):c.5573C>A (p.Ala1858Glu)

Gene: FASN (fatty acid synthase; minus strand). Cytogenetic location: 17q25.3.
Variant type: single nucleotide variant.
Coding change: c.5573C>A on transcript NM_004104.5 (MANE Select); coding-DNA position 5573, C replaced by A.
Protein change: p.Ala1858Glu; replaces alanine 1858 with glutamic acid.
Molecular consequence: missense variant.
Genome position (GRCh38, 1-based): chr17:82,083,108, G>T on the plus strand (C>A on the coding strand, the complement: FASN is on the minus strand). VCF-style: chr17-82083108-G-T. GRCh37 (hg19) VCF-style: chr17-80040984-G-T.
Other names: short protein forms A1858E.
Identifiers: ClinVar variation 577877 (VCV000577877.10), dbSNP rs376946680, ClinGen allele CA295126980.